The following is an entry in ClinVar:

NM_001142966.3(GREB1L):c.5122T>C (p.Phe1708Leu)

Gene: GREB1L (GREB1 like retinoic acid receptor coactivator; plus strand). Cytogenetic location: 18q11.2.
Variant type: single nucleotide variant.
Coding change: c.5122T>C on transcript NM_001142966.3 (MANE Select); coding-DNA position 5122, T replaced by C.
Protein change: p.Phe1708Leu; replaces phenylalanine 1708 with leucine.
Molecular consequence: missense variant.
Genome position (GRCh38, 1-based): chr18:21,515,637, T>C. VCF-style: chr18-21515637-T-C. GRCh37 (hg19) VCF-style: chr18-19095598-T-C.
Other names: c.5251T>C, p.Phe1751Leu (NM_001410867.1); c.4795T>C, p.Phe1599Leu (NM_001410868.1); short protein forms F1599L, F1708L, F1751L.
Identifiers: ClinVar variation 3355827 (VCV003355827.1).
Genomic context (GRCh38, chr18:21,515,637, plus strand): 5'-TGTCACGTGCATGATTTCATTCTCCTCAACACAGACTTGACTCAGAATGTGCAGTATGAC[T>C]TCAACAGGTAAGTCAGGCCTCATGGATGCAGGTAATCCTGGCATCTACTGATTGCTTCTG-3'
Protein context (NP_001136438.1, residues 1698-1718): TDLTQNVQYD[Phe1708Leu]NRYFCEDADF

ClinVar aggregate classification (germline): Uncertain significance (0 of 4 stars; one submission).

Conditions:
GREB1L-related disorder. Also called: GREB1L-related condition.

gnomAD v4.1: 9 of 1,550,410 alleles (0.00058%); highest among the groups gnomAD compares: Non-Finnish European, 0.00079%; no homozygotes.

Submission:

PreventionGenetics, part of Exact Sciences
Classification: Uncertain significance for GREB1L-related condition. Last evaluated: 2024-09-12. Review status: no assertion criteria provided. Collection method: clinical testing. Allele origin: germline.
Comment: The GREB1L c.5122T>C variant is predicted to result in the amino acid substitution p.Phe1708Leu. To our knowledge, this variant has not been reported in the literature. This variant is reported in 0.0034% of alleles in individuals of European (Non-Finnish) descent in gnomAD. At this time, the clinical significance of this variant is uncertain due to the absence of conclusive functional and genetic evidence.